The following is an entry in ClinVar:

ClinVar aggregate classification (germline): Pathogenic (1 of 4 stars; one submission).

Submission:

Labcorp Genetics (formerly Invitae), Labcorp
Classification: Pathogenic. Last evaluated: 2022-06-20. Review status: criteria provided, single submitter. Criteria: Invitae Variant Classification Sherloc (09022015). Collection method: clinical testing. Allele origin: germline.
Comment: For these reasons, this variant has been classified as Pathogenic. This variant has not been reported in the literature in individuals affected with COL2A1-related conditions. This variant is not present in population databases (gnomAD no frequency). This sequence change creates a premature translational stop signal (p.Val11Glyfs*3) in the COL2A1 gene. It is expected to result in an absent or disrupted protein product. Loss-of-function variants in COL2A1 are known to be pathogenic (PMID: 20179744).

Literature cited by the submitters: PubMed 20179744.

NM_001844.5(COL2A1):c.32del (p.Val11fs)

Gene: COL2A1 (collagen type II alpha 1 chain; minus strand). Cytogenetic location: 12q13.11.
Variant type: Deletion.
Coding change: c.32del on transcript NM_001844.5 (MANE Select); coding-DNA position 32, one base deleted (T; older notation c.32delT).
Protein change: p.Val11fs; shifts the reading frame from valine 11.
Molecular consequence: frameshift variant.
Genome position (GRCh38, 1-based): chr12:48,004,290, A deleted on the plus strand (T on the coding strand, the reverse complement: COL2A1 is on the minus strand). VCF-style (leftmost placement, unchanged base first): chr12-48004289-CA-C. GRCh37 (hg19) VCF-style: chr12-48398072-CA-C.
Other names: c.32del, p.Val11fs (NM_033150.3); short protein forms V11fs.
Identifiers: ClinVar variation 1400682 (VCV001400682.6), dbSNP rs2136652716, ClinGen allele CA2573148581.